The following is an entry in ClinVar:

NM_001927.4(DES):c.757C>T (p.Gln253Ter)

Gene: DES (desmin; plus strand). Cytogenetic location: 2q35.
Variant type: single nucleotide variant.
Coding change: c.757C>T on transcript NM_001927.4 (MANE Select); coding-DNA position 757, C replaced by T.
Protein change: p.Gln253Ter; replaces glutamine 253 with a stop codon.
Molecular consequence: nonsense. On other transcripts: intron variant (2).
Genome position (GRCh38, 1-based): chr2:219,420,516, C>T. VCF-style: chr2-219420516-C-T. GRCh37 (hg19) VCF-style: chr2-220285238-C-T.
Other names: c.754C>T, p.Gln252Ter (NM_001382708.1); c.757C>T, p.Gln253Ter (NM_001382710.1, NM_001382711.1, NM_001382712.1); c.735+170C>T (NM_001382709.1); c.496-9C>T (NM_001382713.1); short protein forms Q252*, Q253*.
Identifiers: ClinVar variation 2663344 (VCV002663344.3), dbSNP rs1187516594, ClinGen allele CA350690834.
Genomic context (GRCh38, chr2:219,420,516, plus strand): 5'-GGCCCTGAGAGGGGACTGAAGCCCAGTCATGCCCTACAGGAGATCCGTGAGTTGCAGGCT[C>T]AGCTTCAGGAACAGCAGGTCCAGGTGGAGATGGACATGTCTAAGCCAGACCTCACTGCCG-3'

ClinVar aggregate classification (germline): Pathogenic/Likely pathogenic. Review status: criteria provided, multiple submitters, no conflicts (2 of 4 stars). 3 submissions from 3 submitters: Pathogenic (2); Likely pathogenic (1). Last evaluated 2024-11-08.

Conditions:
Desmin-related myofibrillar myopathy (MFM1). Also called: Desminopathy; Desmin related myopathy (former name); Desmin storage myopathy (former name); MYOFIBRILLAR MYOPATHY WITH ARRHYTHMOGENIC RIGHT VENTRICULAR CARDIOMYOPATHY; DESMIN-RELATED MYOPATHY WITH ARRHYTHMOGENIC RIGHT VENTRICULAR CARDIOMYOPATHY; Myofibrillar myopathy 1. Identifiers: Orphanet 363543, Orphanet 98909, MedGen C1832370, MONDO:0011076, OMIM 601419.
DES-related disorders.

Allele frequency attached by ClinVar (database versions not stated): TOPMed below 0.00001; gnomAD 0.00001.

Submissions (3):

Blueprint Genetics
Classification: Likely pathogenic for DES-related disorders. Last evaluated: 2024-11-08. Review status: criteria provided, single submitter. Criteria: ACMG Guidelines, 2015. Collection method: clinical testing. Allele origin: germline. Affected: yes. Observed: 2 variant alleles.

Genomic Medicine Center of Excellence, King Faisal Specialist Hospital and Research Centre
Classification: Pathogenic for Desmin-related myofibrillar myopathy. Last evaluated: 2024-04-04. Review status: criteria provided, single submitter. Criteria: ACMG Guidelines, 2015. Collection method: clinical testing. Allele origin: germline.

GeneDx
Classification: Pathogenic. Last evaluated: 2023-04-18. Review status: criteria provided, single submitter. Criteria: GeneDx Variant Classification Process June 2021. Collection method: clinical testing. Allele origin: germline. Affected: yes.
Comment: Nonsense variant predicted to result in protein truncation or nonsense mediated decay in a gene for which loss of function is a known mechanism of disease; Not observed at significant frequency in large population cohorts (gnomAD); This variant is associated with the following publications: (PMID: 25590979)